The following is an entry in ClinVar:

ClinVar aggregate classification (germline): Uncertain significance (1 of 4 stars; one submission).

Submission:

CeGaT Center for Human Genetics Tuebingen
Classification: Uncertain significance. Last evaluated: 2024-04-01. Review status: criteria provided, single submitter. Criteria: CeGaT Center For Human Genetics Tuebingen Variant Classification Criteria Version 2. Collection method: clinical testing. Allele origin: germline. Affected: yes. Observed: 1 variant allele.
Comment: FGFR3: PM1, PM5, PM2:Supporting

NM_000142.5(FGFR3):c.1618_1620delinsCAT (p.Asn540His)

Gene: FGFR3 (fibroblast growth factor receptor 3; plus strand). Cytogenetic location: 4p16.3.
Variant type: Indel.
Coding change: c.1618_1620delinsCAT on transcript NM_000142.5 (MANE Select); coding-DNA positions 1618 to 1620, AAC replaced by CAT.
Protein change: p.Asn540His; replaces asparagine 540 with histidine.
Molecular consequence: missense variant. On other transcripts: non-coding transcript variant (1).
Genome position (GRCh38, 1-based): chr4:1,805,642-1,805,644, AAC replaced by CAT. VCF-style: chr4-1805642-AAC-CAT. GRCh37 (hg19) VCF-style: chr4-1807369-AAC-CAT.
Other names: c.1624_1626delinsCAT, p.Asn542His (NM_001163213.2); c.1621_1623delinsCAT, p.Asn541His (NM_001354809.2, NM_001354810.2); c.1282_1284delinsCAT, p.Asn428His (NM_022965.4); short protein forms N428H, N540H, N541H, N542H.
Identifiers: ClinVar variation 3234835 (VCV003234835.20), dbSNP rs2546829280, ClinGen allele CA2825001288.
Genomic context (GRCh38, chr4:1,805,642, plus strand): 5'-TCGGACCTGGTGTCTGAGATGGAGATGATGAAGATGATCGGGAAACACAAAAACATCATC[AAC>CAT]CTGCTGGGCGCCTGCACGCAGGGCGGTAGGTGCGGTAGCGGCGGTGGTGCCGGCTGGGCG-3'
Protein context (NP_000133.1, residues 530-550): KMIGKHKNII[Asn540His]LLGACTQGGP